The following is an entry in ClinVar:

NM_000742.4(CHRNA2):c.1055T>C (p.Val352Ala)

Gene: CHRNA2 (cholinergic receptor nicotinic alpha 2 subunit; minus strand). Cytogenetic location: 8p21.2.
Variant type: single nucleotide variant.
Coding change: c.1055T>C on transcript NM_000742.4 (MANE Select); coding-DNA position 1055, T replaced by C.
Protein change: p.Val352Ala; replaces valine 352 with alanine.
Molecular consequence: missense variant.
Genome position (GRCh38, 1-based): chr8:27,463,388, A>G on the plus strand (T>C on the coding strand, the complement: CHRNA2 is on the minus strand). VCF-style: chr8-27463388-A-G. GRCh37 (hg19) VCF-style: chr8-27320905-A-G.
Other names: c.1010T>C, p.Val337Ala (NM_001282455.2); c.578T>C, p.Val193Ala (NM_001347705.2, NM_001347706.2); c.461T>C, p.Val154Ala (NM_001347707.2, NM_001347708.2); short protein forms V352A, V337A, V193A, V154A.
Identifiers: ClinVar variation 546512 (VCV000546512.3), dbSNP rs1554514453, ClinGen allele CA370809627.

ClinVar aggregate classification (germline): Uncertain significance. Review status: criteria provided, multiple submitters, no conflicts (2 of 4 stars). 2 submissions from 2 submitters: Uncertain significance (2). Last evaluated 2026-08-13.

Conditions:
Inborn genetic diseases. Identifiers: MedGen C0950123, MeSH D030342.

Allele frequency attached by ClinVar (database versions not stated): gnomAD exomes below 0.00001.
gnomAD v4.1: 1 of 1,614,116 alleles (0.000062%); highest among the groups gnomAD compares: Non-Finnish European, 0.000085%; no homozygotes.

Submissions (2):

Ambry Genetics
Classification: Uncertain significance for Inborn genetic diseases. Last evaluated: 2026-08-13. Review status: criteria provided, single submitter. Criteria: Ambry Variant Classification Scheme 2023. Collection method: clinical testing. Allele origin: germline.
Comment: The c.1055T>C (p.V352A) alteration is located in exon 6 (coding exon 5) of the CHRNA2 gene. This alteration results from a T to C substitution at nucleotide position 1055, causing the valine (V) at amino acid position 352 to be replaced by an alanine (A). Based on data from gnomAD, the C allele has an overall frequency of <0.001% (1/250906) total alleles studied. The highest observed frequency was 0.001% (1/113282) of European (non-Finnish) alleles. Based on insufficient or conflicting evidence, the clinical significance of this alteration remains unclear.

GeneDx
Classification: Uncertain significance. Last evaluated: 2018-05-25. Review status: criteria provided, single submitter. Criteria: GeneDx Variant Classification (06012015). Collection method: clinical testing. Allele origin: germline. Affected: yes.
Comment: A variant of uncertain significance has been identified in the CHRNA2 gene. The V352A variant has not been published as a pathogenic variant, nor has it been reported as a benign variant to our knowledge. The V352A variant is not observed in large population cohorts (Lek et al., 2016). In-silico analyses, including protein predictors and evolutionary conservation, support a deleterious effect. However, the V352A variant is a conservative amino acid substitution, which is not likely to impact secondary protein structure as these residues share similar properties. Based on the currently available information, it is unclear whether this variant is a pathogenic variant or a rare benign variant.